The following is an entry in ClinVar:

ClinVar aggregate classification (germline): Conflicting classifications of pathogenicity. Review status: criteria provided, conflicting classifications (1 of 4 stars). 8 submissions from 8 submitters: Likely pathogenic (2); Uncertain significance (5). 1 of the submissions does not count toward it. Last evaluated 2025-09-06.

Conditions:
Inborn genetic diseases. Identifiers: MedGen C0950123, MeSH D030342.
Spinocerebellar ataxia type 29 (SCA29). Also called: Spinocerebellar ataxia 29, congenital nonprogressive; CEREBELLAR ATAXIA, CONGENITAL NONPROGRESSIVE, AUTOSOMAL DOMINANT. Identifiers: Orphanet 208513, MedGen C1861732, MONDO:0007298, OMIM 117360.
ITPR1-related disorders.
Gillespie syndrome (GLSP). Also called: Aniridia, cerebellar ataxia, and mental deficiency; Aniridia-cerebellar ataxia-intellectual disability syndrome. Identifiers: Orphanet 1065, MedGen C0431401, MONDO:0008795, OMIM 206700.
Spinocerebellar ataxia type 15/16 (SCA15). Also called: Spinocerebellar Ataxia Type 15. Identifiers: Orphanet 98769, MedGen C1847725, MONDO:0011694, OMIM 606658.

Submissions (8):

Dasa
Classification: Uncertain significance. Last evaluated: 2025-09-06. Review status: criteria provided, single submitter. Criteria: DASA Assertion Criteria. Collection method: clinical testing. Allele origin: germline.
Comment: NM_001378452.1(ITPR1):c.7648G>A (p.Gly2550Arg) is a missense variant that results in the substitution of glycine with arginine. This variant is absent from population databases. Computational prediction algorithms are consistent with a deleterious effect. The currently available literature and clinical evidence are not sufficient to establish a definitive association between this variant and the reported condition. Therefore, this variant is classified as a variant of uncertain significance.

GeneDx
Classification: Likely pathogenic. Last evaluated: 2024-01-04. Review status: criteria provided, single submitter. Criteria: GeneDx Variant Classification Process June 2021. Collection method: clinical testing. Allele origin: germline. Affected: yes.
Comment: Not observed at significant frequency in large population cohorts (gnomAD); In silico analysis supports that this missense variant has a deleterious effect on protein structure/function; Has not been previously published as pathogenic or benign to our knowledge; This variant is associated with the following publications: (PMID: 34758253)

Labcorp Genetics (formerly Invitae), Labcorp
Classification: Uncertain significance. Last evaluated: 2023-04-12. Review status: criteria provided, single submitter. Criteria: Invitae Variant Classification Sherloc (09022015). Collection method: clinical testing. Allele origin: germline.
Comment: In summary, the available evidence is currently insufficient to determine the role of this variant in disease. Therefore, it has been classified as a Variant of Uncertain Significance. Advanced modeling of protein sequence and biophysical properties (such as structural, functional, and spatial information, amino acid conservation, physicochemical variation, residue mobility, and thermodynamic stability) performed at Invitae indicates that this missense variant is expected to disrupt ITPR1 protein function. ClinVar contains an entry for this variant (Variation ID: 520945). This variant has not been reported in the literature in individuals affected with ITPR1-related conditions. This variant is not present in population databases (gnomAD no frequency). This sequence change replaces glycine, which is neutral and non-polar, with arginine, which is basic and polar, at codon 2487 of the ITPR1 protein (p.Gly2487Arg).

Blueprint Genetics
Classification: Likely pathogenic for ITPR1-related disorders. Last evaluated: 2021-04-26. Review status: criteria provided, single submitter. Criteria: ACMG Guidelines, 2015. Collection method: clinical testing. Allele origin: de novo. Affected: yes. Observed: 1 variant allele.

Athena Diagnostics
Classification: Uncertain significance. Last evaluated: 2019-09-11. Review status: criteria provided, single submitter. Criteria: Athena Diagnostics Criteria. Collection method: clinical testing. Allele origin: unknown.

Fulgent Genetics
Classification: Uncertain significance for Spinocerebellar ataxia type 29; Gillespie syndrome; Spinocerebellar ataxia type 15/16. Last evaluated: 2018-10-31. Review status: criteria provided, single submitter. Criteria: ACMG Guidelines, 2015. Collection method: clinical testing. Allele origin: unknown.

Ambry Genetics
Classification: Uncertain significance for Inborn genetic diseases. Last evaluated: 2016-03-15. Review status: criteria provided, single submitter. Criteria: Ambry exome assertion method (8-5-2015). Collection method: clinical testing. Allele origin: germline. Affected: yes. Observed: 1 variant allele.

Genomics England Pilot Project, Genomics England
Classification: Likely pathogenic for Spinocerebellar ataxia type 29. Review status: no assertion criteria provided. Criteria: ACGS Guidelines, 2016. Collection method: clinical testing. Allele origin: germline. Affected: yes. Not counted in ClinVar's aggregate classification.

NM_001378452.1(ITPR1):c.7648G>A (p.Gly2550Arg)

Genes: ITPR1 (inositol 1,4,5-trisphosphate receptor type 1; plus strand), LOC126806590 (MED14-independent group 3 enhancer GRCh37_chr3:4855759-4856958; plus strand). Cytogenetic location: 3p26.1.
Variant type: single nucleotide variant.
Coding change: c.7648G>A on transcript NM_001378452.1 (MANE Select); coding-DNA position 7648, G replaced by A.
Protein change: p.Gly2550Arg; replaces glycine 2550 with arginine.
Molecular consequence: missense variant.
Genome position (GRCh38, 1-based): chr3:4,814,509, G>A. VCF-style: chr3-4814509-G-A. GRCh37 (hg19) VCF-style: chr3-4856193-G-A.
Other names: c.7504G>A, p.Gly2502Arg (NM_001099952.4); c.7603G>A, p.Gly2535Arg (NM_001168272.2); c.7459G>A, p.Gly2487Arg (NM_002222.7); short protein forms G2487R, G2535R, G2502R, G2550R.
Identifiers: ClinVar variation 520945 (VCV000520945.20), dbSNP rs1553757628, ClinGen allele CA351649065.